The following is an entry in ClinVar:

NM_000535.7(PMS2):c.334A>T (p.Ser112Cys)

Gene: PMS2 (PMS1 homolog 2, mismatch repair system component; minus strand). Cytogenetic location: 7p22.1.
Variant type: single nucleotide variant.
Coding change: c.334A>T on transcript NM_000535.7 (MANE Select); coding-DNA position 334, A replaced by T.
Protein change: p.Ser112Cys; replaces serine 112 with cysteine.
Molecular consequence: missense variant. On other transcripts: 5 prime UTR variant (25), non-coding transcript variant (1), intron variant (21).
Genome position (GRCh38, 1-based): chr7:6,003,709, T>A on the plus strand (A>T on the coding strand, the complement: PMS2 is on the minus strand). VCF-style: chr7-6003709-T-A. GRCh37 (hg19) VCF-style: chr7-6043340-T-A.
Other names: c.-72A>T (NM_001322003.2, NM_001322004.2, NM_001322005.2 and 13 more transcripts); c.334A>T, p.Ser112Cys (NM_001322006.2, NM_001406884.1, NM_001406886.1 and 8 more transcripts); c.-551A>T (NM_001322011.2, NM_001322012.2); c.-151A>T (NM_001406875.1, NM_001406877.1, NM_001406878.1 and 3 more transcripts); c.-62A>T (NM_001406890.1); c.35+263A>T (NM_001322008.2, NM_001406902.1, NM_001406883.1 and 4 more transcripts); c.-132+263A>T (NM_001406881.1, NM_001406900.1); c.-53+34A>T (NM_001406895.1, NM_001406904.1, NM_001406889.1 and 6 more transcripts); and 5 more; short protein forms S112C, S120C, S174C.
Identifiers: ClinVar variation 3642841 (VCV003642841.2).

ClinVar aggregate classification (germline): Uncertain significance (1 of 4 stars; one submission).

Conditions:
Hereditary nonpolyposis colorectal neoplasms. Identifiers: MedGen C0009405, MeSH D003123.

Submission:

Labcorp Genetics (formerly Invitae), Labcorp
Classification: Uncertain significance for Hereditary nonpolyposis colorectal neoplasms. Last evaluated: 2024-02-23. Review status: criteria provided, single submitter. Criteria: Invitae Variant Classification Sherloc (09022015). Collection method: clinical testing. Allele origin: germline.
Comment: This sequence change replaces serine, which is neutral and polar, with cysteine, which is neutral and slightly polar, at codon 112 of the PMS2 protein (p.Ser112Cys). This variant is not present in population databases (gnomAD no frequency). This variant has not been reported in the literature in individuals affected with PMS2-related conditions. Advanced modeling of protein sequence and biophysical properties (such as structural, functional, and spatial information, amino acid conservation, physicochemical variation, residue mobility, and thermodynamic stability) performed at Invitae indicates that this missense variant is expected to disrupt PMS2 protein function with a positive predictive value of 80%. In summary, the available evidence is currently insufficient to determine the role of this variant in disease. Therefore, it has been classified as a Variant of Uncertain Significance.